The following is an entry in ClinVar:

ClinVar aggregate classification (germline): Uncertain significance. Review status: criteria provided, multiple submitters, no conflicts (2 of 4 stars). 2 submissions from 2 submitters: Uncertain significance (2). Last evaluated 2026-03-24.

Allele frequency attached by ClinVar (database versions not stated): gnomAD 0.00001; TOPMed 0.00001; ExAC 0.00002; gnomAD exomes 0.00004.
gnomAD v4.1: 25 of 1,614,088 alleles (0.0015%); highest among the groups gnomAD compares: East Asian, 0.056%; no homozygotes.

Submissions (2):

Women's Health and Genetics/Laboratory Corporation of America, LabCorp
Classification: Uncertain significance. Last evaluated: 2026-03-24. Review status: criteria provided, single submitter. Criteria: LabCorp Variant Classification Summary - May 2015. Collection method: clinical testing. Allele origin: germline.
Comment: Variant summary: CTDP1 c.2456A>C (p.Glu819Ala) results in a non-conservative amino acid change in the encoded protein sequence. Algorithms developed to predict the effect of missense changes on protein structure and function are either unavailable or do not agree on the potential impact of this missense change. The variant allele was found at a frequency of 1.2e-05 in 251466 control chromosomes. The available data on variant occurrences in the general population are insufficient to allow any conclusion about variant significance. To our knowledge, no occurrence of c.2456A>C in individuals affected with CTDP1-related conditions and no experimental evidence demonstrating its impact on protein function have been reported. ClinVar contains an entry for this variant (Variation ID: 2053781). Based on the evidence outlined above, the variant was classified as uncertain significance.

Labcorp Genetics (formerly Invitae), Labcorp
Classification: Uncertain significance. Last evaluated: 2023-11-10. Review status: criteria provided, single submitter. Criteria: Invitae Variant Classification Sherloc (09022015). Collection method: clinical testing. Allele origin: germline.
Comment: This sequence change replaces glutamic acid, which is acidic and polar, with alanine, which is neutral and non-polar, at codon 819 of the CTDP1 protein (p.Glu819Ala). This variant is present in population databases (rs776512325, gnomAD 0.02%). This variant has not been reported in the literature in individuals affected with CTDP1-related conditions. ClinVar contains an entry for this variant (Variation ID: 2053781). An algorithm developed to predict the effect of missense changes on protein structure and function (PolyPhen-2) suggests that this variant is likely to be tolerated. In summary, the available evidence is currently insufficient to determine the role of this variant in disease. Therefore, it has been classified as a Variant of Uncertain Significance.

NM_004715.5(CTDP1):c.2456A>C (p.Glu819Ala)

Gene: CTDP1 (CTD phosphatase subunit 1; plus strand). Cytogenetic location: 18q23.
Variant type: single nucleotide variant.
Coding change: c.2456A>C on transcript NM_004715.5 (MANE Select); coding-DNA position 2456, A replaced by C.
Protein change: p.Glu819Ala; replaces glutamic acid 819 with alanine.
Molecular consequence: missense variant. On other transcripts: intron variant (1).
Genome position (GRCh38, 1-based): chr18:79,728,945, A>C. VCF-style: chr18-79728945-A-C. GRCh37 (hg19) VCF-style: chr18-77488945-A-C.
Other names: c.2099A>C, p.Glu700Ala (NM_001202504.1); c.2456A>C, p.Glu819Ala (NM_001318511.2); c.2418-7410A>C (NM_048368.4); short protein forms E700A, E819A.
Identifiers: ClinVar variation 2053781 (VCV002053781.5), dbSNP rs776512325, ClinGen allele CA9010616.